The following is an entry in ClinVar:

NM_006017.3(PROM1):c.1747G>A (p.Glu583Lys)

Gene: PROM1 (prominin 1; minus strand). Cytogenetic location: 4p15.32.
Variant type: single nucleotide variant.
Coding change: c.1747G>A on transcript NM_006017.3 (MANE Select); coding-DNA position 1747, G replaced by A.
Protein change: p.Glu583Lys; replaces glutamic acid 583 with lysine.
Molecular consequence: missense variant.
Genome position (GRCh38, 1-based): chr4:15,994,007, C>T on the plus strand (G>A on the coding strand, the complement: PROM1 is on the minus strand). VCF-style: chr4-15994007-C-T. GRCh37 (hg19) VCF-style: chr4-15995630-C-T.
Other names: c.1720G>A, p.Glu574Lys (NM_001145847.2, NM_001145848.2, NM_001145851.2 and 4 more transcripts); c.1747G>A, p.Glu583Lys (NM_001145849.2, NM_001145850.2); short protein forms E574K, E583K.
Identifiers: ClinVar variation 3651706 (VCV003651706.2).

ClinVar aggregate classification (germline): Uncertain significance (1 of 4 stars; one submission).

Submission:

Labcorp Genetics (formerly Invitae), Labcorp
Classification: Uncertain significance. Last evaluated: 2024-04-30. Review status: criteria provided, single submitter. Criteria: Invitae Variant Classification Sherloc (09022015). Collection method: clinical testing. Allele origin: germline.
Comment: This sequence change replaces glutamic acid, which is acidic and polar, with lysine, which is basic and polar, at codon 583 of the PROM1 protein (p.Glu583Lys). This variant is not present in population databases (gnomAD no frequency). This variant has not been reported in the literature in individuals affected with PROM1-related conditions. Advanced modeling of protein sequence and biophysical properties (such as structural, functional, and spatial information, amino acid conservation, physicochemical variation, residue mobility, and thermodynamic stability) performed at Invitae indicates that this missense variant is not expected to disrupt PROM1 protein function with a negative predictive value of 80%. In summary, the available evidence is currently insufficient to determine the role of this variant in disease. Therefore, it has been classified as a Variant of Uncertain Significance.